The following is an entry in ClinVar:

NM_001035.3(RYR2):c.2356G>A (p.Gly786Ser)

Gene: RYR2 (ryanodine receptor 2; plus strand). Cytogenetic location: 1q43.
Variant type: single nucleotide variant.
Coding change: c.2356G>A on transcript NM_001035.3 (MANE Select); coding-DNA position 2356, G replaced by A.
Protein change: p.Gly786Ser; replaces glycine 786 with serine.
Molecular consequence: missense variant.
Genome position (GRCh38, 1-based): chr1:237,500,863, G>A. VCF-style: chr1-237500863-G-A. GRCh37 (hg19) VCF-style: chr1-237664163-G-A.
Other names: short protein forms G786S.
Identifiers: ClinVar variation 1172254 (VCV001172254.5), dbSNP rs1664560589, ClinGen allele CA345393321.

ClinVar aggregate classification (germline): Uncertain significance. Review status: criteria provided, multiple submitters, no conflicts (2 of 4 stars). 2 submissions from 2 submitters: Uncertain significance (2). Last evaluated 2024-03-07.

Conditions:
Cardiomyopathy (CMYO). Also called: Cardiomyopathies. Identifiers: Orphanet 167848, MedGen C0878544, MONDO:0004994, HP:0001638. Inheritance: Various modes of inheritance.
Catecholaminergic polymorphic ventricular tachycardia (CVPT). Also called: Catecholamine-induced polymorphic ventricular tachycardia. Identifiers: Orphanet 3286, MedGen C5574922, MONDO:0017990.

Allele frequency attached by ClinVar (database versions not stated): TOPMed below 0.00001; gnomAD 0.00001.
gnomAD v4.1: 1 of 1,613,870 alleles (0.000062%); highest among the groups gnomAD compares: Non-Finnish European, 0.000085%; no homozygotes.

Submissions (2):

Color Diagnostics, LLC DBA Color Health
Classification: Uncertain significance for Cardiomyopathy. Last evaluated: 2024-03-07. Review status: criteria provided, single submitter. Criteria: ACMG Guidelines, 2015. Collection method: clinical testing. Allele origin: germline.
Comment: This missense variant replaces glycine with serine at codon 786 of the RYR2 protein. Computational prediction is inconclusive regarding the impact of this variant on protein structure and function (internally defined REVEL score threshold 0.5 < inconclusive < 0.7, PMID: 27666373). To our knowledge, functional studies have not been reported for this variant. This variant has not been reported in individuals affected with cardiovascular disorders in the literature. This variant has not been identified in the general population by the Genome Aggregation Database (gnomAD). The available evidence is insufficient to determine the role of this variant in disease conclusively. Therefore, this variant is classified as a Variant of Uncertain Significance.

All of Us Research Program, National Institutes of Health
Classification: Uncertain significance for Catecholaminergic polymorphic ventricular tachycardia. Last evaluated: 2023-05-16. Review status: criteria provided, single submitter. Criteria: ACMG Guidelines, 2015. Collection method: clinical testing. Allele origin: germline. Inheritance: Autosomal dominant inheritance. Observed: 1 variant allele, 1 heterozygote.
Comment: This missense variant replaces glycine with serine at codon 786 of the RYR2 protein. Computational prediction is inconclusive regarding the impact of this variant on protein structure and function (internally defined REVEL score threshold 0.5 < inconclusive < 0.7, PMID: 27666373). To our knowledge, functional studies have not been reported for this variant. This variant has not been reported in individuals affected with cardiovascular disorders in the literature. This variant has not been identified in the general population by the Genome Aggregation Database (gnomAD). The available evidence is insufficient to determine the role of this variant in disease conclusively. Therefore, this variant is classified as a Variant of Uncertain Significance.

This study involves interpretation of variants in research participants for the purpose of population health screening. Participant phenotype was not available at the time of variant classification. Additional details can be found in publication PMID: 35346344, PMCID: PMC8962531